The following is an entry in ClinVar:

ClinVar aggregate classification (germline): Uncertain significance. Review status: criteria provided, multiple submitters, no conflicts (2 of 4 stars). 2 submissions from 2 submitters: Uncertain significance (2). Last evaluated 2023-10-01.

Conditions:
Retinal dystrophy. Also called: Inherited retinal dystrophy. Identifiers: Orphanet 71862, MedGen C0854723, MeSH D058499, MONDO:0019118, HP:0000556.

Allele frequency attached by ClinVar (database versions not stated): TOPMed below 0.00001; gnomAD 0.00001; gnomAD exomes 0.00001; ExAC 0.00002.
gnomAD v4.1: 12 of 1,613,966 alleles (0.00074%); highest among the groups gnomAD compares: South Asian, 0.0055%; no homozygotes.

Submissions (2):

Dept Of Ophthalmology, Nagoya University
Classification: Uncertain significance for Retinal dystrophy. Last evaluated: 2023-10-01. Review status: criteria provided, single submitter. Criteria: Submitter's publication. Collection method: research. Allele origin: germline. Affected: yes.

Labcorp Genetics (formerly Invitae), Labcorp
Classification: Uncertain significance. Last evaluated: 2021-03-12. Review status: criteria provided, single submitter. Criteria: Invitae Variant Classification Sherloc (09022015). Collection method: clinical testing. Allele origin: germline.
Comment: This sequence change replaces valine with isoleucine at codon 355 of the MAK protein (p.Val355Ile). The valine residue is weakly conserved and there is a small physicochemical difference between valine and isoleucine. This variant is present in population databases (rs751783623, ExAC 0.009%). This variant has not been reported in the literature in individuals with MAK-related conditions. Experimental studies and prediction algorithms are not available or were not evaluated, and the functional significance of this variant is currently unknown. In summary, the available evidence is currently insufficient to determine the role of this variant in disease. Therefore, it has been classified as a Variant of Uncertain Significance.

NM_001242957.3(MAK):c.1063G>A (p.Val355Ile)

Gene: MAK (male germ cell associated kinase; minus strand). Cytogenetic location: 6p24.2.
Variant type: single nucleotide variant.
Coding change: c.1063G>A on transcript NM_001242957.3 (MANE Select); coding-DNA position 1063, G replaced by A.
Protein change: p.Val355Ile; replaces valine 355 with isoleucine.
Molecular consequence: missense variant. On other transcripts: non-coding transcript variant (2).
Genome position (GRCh38, 1-based): chr6:10,796,078, C>T on the plus strand (G>A on the coding strand, the complement: MAK is on the minus strand). VCF-style: chr6-10796078-C-T. GRCh37 (hg19) VCF-style: chr6-10796311-C-T.
Other names: c.1063G>A, p.Val355Ile (NM_001242385.2, NM_005906.6); c.961G>A, p.Val321Ile (NM_001377262.1); short protein forms V355I, V321I.
Identifiers: ClinVar variation 1356912 (VCV001356912.4), dbSNP rs751783623, ClinGen allele CA3633564.
Genomic context (GRCh38, chr6:10,796,078, plus strand): 5'-TGCTCGGGAATAGCGTTTGTGGCGGTTTCTCCTGACTCTGTTGCTTTGGAGGTTGCTGGA[C>T]GCTCAGGTTCTGTGGCGGCTGAATGGGCTGCAGTGGCTGCTGGCTAGTTTTTGGCTGGGG-3'
Protein context (NP_001229886.1, residues 345-365): QPIQPPQNLS[Val355Ile]QQPPKQQSQE